The following is an entry in ClinVar:

ClinVar aggregate classification (germline): Pathogenic (1 of 4 stars; one submission).

Conditions:
DICER1-related tumor predisposition. Also called: DICER1-related pleuropulmonary blastoma cancer predisposition syndrome; DICER1 syndrome. Identifiers: Orphanet 284343, MedGen C3839822, MONDO:0100216.

Submission:

Foulkes Cancer Genetics LDI, Lady Davis Institute for Medical Research
Classification: Pathogenic for Pleuropulmonary blastoma. Last evaluated: 2019-07-01. Review status: criteria provided, single submitter. Criteria: ACMG Guidelines, 2015. Collection method: curation. Allele origin: somatic. Affected: yes. Observed: 1 variant allele.
Comment: ACMG criteria met: PVS1, PM1, PM2

Literature cited by the submitters: PubMed 28654427.

NM_177438.3(DICER1):c.2808T>G (p.Tyr936Ter)

Gene: DICER1 (dicer 1, ribonuclease III; minus strand). Cytogenetic location: 14q32.13.
Variant type: single nucleotide variant.
Coding change: c.2808T>G on transcript NM_177438.3 (MANE Select); coding-DNA position 2808, T replaced by G.
Protein change: p.Tyr936Ter; replaces tyrosine 936 with a stop codon.
Molecular consequence: nonsense.
Genome position (GRCh38, 1-based): chr14:95,106,220, A>C on the plus strand (T>G on the coding strand, the complement: DICER1 is on the minus strand). VCF-style: chr14-95106220-A-C. GRCh37 (hg19) VCF-style: chr14-95572557-A-C.
Other names: c.2808T>G, p.Tyr936Ter (NM_001195573.1, NM_001271282.3, NM_001291628.2 and 1 more transcripts); short protein forms Y936*.
Identifiers: ClinVar variation 933063 (VCV000933063.3), dbSNP rs768555883, ClinGen allele CA390879316.